The following is an entry in ClinVar:

ClinVar aggregate classification (germline): Pathogenic. Review status: criteria provided, multiple submitters, no conflicts (2 of 4 stars). 6 submissions from 6 submitters: Pathogenic (5). 1 of the submissions does not count toward it. Last evaluated 2025-11-21.

Conditions:
Retinal dystrophy. Also called: Inherited retinal dystrophy. Identifiers: Orphanet 71862, MedGen C0854723, MeSH D058499, MONDO:0019118, HP:0000556.
Retinitis pigmentosa (RP). Identifiers: Orphanet 791, MedGen C0035334, MeSH D012174, MONDO:0019200, OMIM 268000. Inheritance: Autosomal dominant, autosomal recessive and X linked inheritance.
PCARE-related disorder. Also called: PCARE-related condition.
Retinitis pigmentosa 54 (RP54). Identifiers: Orphanet 791, MedGen C3150691, MONDO:0013263, OMIM 613428.

Allele frequency attached by ClinVar (database versions not stated): gnomAD 0.00001; gnomAD exomes 0.00001 and 0.00004; ExAC 0.00002; TOPMed 0.00003.

Submissions (6):

3billion
Classification: Pathogenic for Retinitis pigmentosa 54. Last evaluated: 2025-11-21. Review status: criteria provided, single submitter. Criteria: ACMG Guidelines, 2015. Collection method: clinical testing. Allele origin: germline. Affected: yes.
Comment: The variant is observed at an extremely low frequency in the gnomAD v4.1.0 dataset (total allele frequency: <0.001%). Predicted Consequence/Location: Stop-gained (nonsense): predicted to result in a loss or disruption of normal protein function through nonsense-mediated decay (NMD) or protein truncation. Multiple pathogenic variants are reported downstream of the variant. The variant has been reported at least twice as pathogenic without evidence for the classification (ClinVar ID: VCV000812238 /PMID: 21412943 /3billion dataset). Therefore, this variant is classified as Pathogenic according to the recommendation of ACMG/AMP guideline.

PreventionGenetics, part of Exact Sciences
Classification: Pathogenic for PCARE-related condition. Last evaluated: 2025-11-07. Review status: criteria provided, single submitter. Criteria: ACMG Guidelines, 2015. Collection method: clinical testing. Allele origin: germline.
Comment: The PCARE c.2950C>T variant is predicted to result in premature protein termination (p.Arg984*). This gene has been previously known as C2orf71. This variant has been reported, in the homozygous state or in the heterozygous state with a second likely causative variant, in individuals with retinitis pigmentosa (for example, Audo et al. 2011. PubMed ID: 21412943; López-Rodríguez et al. 2024. PubMed ID: 38468717; Table S4, Panneman et al. 2023. PubMed ID: 36819107; Supplementary Table 2, Weisschuh et al. 2020. PubMed ID: 32531858). This variant is reported in 0.023% of alleles in individuals of Latino descent in gnomAD. Nonsense variants in PCARE are expected to be pathogenic. This variant is interpreted as pathogenic.

Labcorp Genetics (formerly Invitae), Labcorp
Classification: Pathogenic. Last evaluated: 2025-11-04. Review status: criteria provided, single submitter. Criteria: Invitae Variant Classification Sherloc (09022015). Collection method: clinical testing. Allele origin: germline.
Comment: This sequence change creates a premature translational stop signal (p.Arg984*) in the PCARE gene. It is expected to result in an absent or disrupted protein product. Loss-of-function variants in PCARE are known to be pathogenic (PMID: 20398886, 24339724, 26496393). This variant is present in population databases (rs774215025, gnomAD 0.02%). This premature translational stop signal has been observed in individual(s) with retinitis pigmentosa (PMID: 21412943). It has also been observed to segregate with disease in related individuals. ClinVar contains an entry for this variant (Variation ID: 812238). For these reasons, this variant has been classified as Pathogenic.

Blueprint Genetics
Classification: Pathogenic for PCARE-related disorders. Last evaluated: 2021-01-13. Review status: criteria provided, single submitter. Criteria: ACMG Guidelines, 2015. Collection method: clinical testing. Allele origin: germline. Affected: yes. Observed: 5 variant alleles.

Institute of Human Genetics, Univ. Regensburg, Univ. Regensburg
Classification: Pathogenic for Retinal dystrophy. Last evaluated: 2021-01-01. Review status: criteria provided, single submitter. Criteria: ACMG Guidelines, 2015. Collection method: clinical testing. Allele origin: germline. Affected: yes.

Sharon lab, Hadassah-Hebrew University Medical Center
Classification: Pathogenic for Retinitis pigmentosa. Last evaluated: 2019-06-23. Review status: no assertion criteria provided. Collection method: research. Allele origin: inherited. Affected: yes. Not counted in ClinVar's aggregate classification.

Literature cited by the submitters: PubMed 21412943 (cited by 3 submitters); PubMed 20398886 (cited by Labcorp Genetics (formerly Invitae), Labcorp); PubMed 24339724 (cited by Labcorp Genetics (formerly Invitae), Labcorp); PubMed 26496393 (cited by Labcorp Genetics (formerly Invitae), Labcorp); PubMed 31964843 (cited by Institute of Human Genetics, Univ. Regensburg, Univ. Regensburg); PubMed 31456290 (cited by Institute of Human Genetics, Univ. Regensburg, Univ. Regensburg); PubMed 32531858 (cited by Institute of Human Genetics, Univ. Regensburg, Univ. Regensburg); PubMed 36819107 (cited by Institute of Human Genetics, Univ. Regensburg, Univ. Regensburg).

NM_001029883.3(PCARE):c.2950C>T (p.Arg984Ter)

Gene: PCARE (photoreceptor cilium actin regulator; minus strand). Cytogenetic location: 2p23.2.
Variant type: single nucleotide variant.
Coding change: c.2950C>T on transcript NM_001029883.3 (MANE Select); coding-DNA position 2950, C replaced by T.
Protein change: p.Arg984Ter; replaces arginine 984 with a stop codon.
Molecular consequence: nonsense.
Genome position (GRCh38, 1-based): chr2:29,071,312, G>A on the plus strand (C>T on the coding strand, the complement: PCARE is on the minus strand). VCF-style: chr2-29071312-G-A. GRCh37 (hg19) VCF-style: chr2-29294178-G-A.
Other names: short protein forms R984*.
Identifiers: ClinVar variation 812238 (VCV000812238.10), dbSNP rs774215025, ClinGen allele CA1592076.
Genomic context (GRCh38, chr2:29,071,312, plus strand): 5'-GAGGCACCCAGTGTGTCCTCGTGGGAGAGGCCTTTCTGCCCACAGGGGGGCTTCTCTCTC[G>A]GCTCTGCCTTGGTCTGGCCAGGCTGGACTCTGAGGTCCTGTTTTGTCCAGATGGAGGGCC-3'